The following is an entry in ClinVar:

ClinVar aggregate classification (germline): Likely benign. Review status: criteria provided, multiple submitters, no conflicts (2 of 4 stars). 3 submissions from 3 submitters: Likely benign (3). Last evaluated 2026-02-04.

Conditions:
Hereditary cancer-predisposing syndrome. Also called: Tumor predisposition; Hereditary Cancer Syndrome; Neoplastic Syndromes, Hereditary; Hereditary neoplastic syndrome. Identifiers: Orphanet 140162, MedGen C0027672, MeSH D009386, MONDO:0015356.
Familial cancer of breast. Also called: BREAST CANCER, FAMILIAL; Hereditary breast cancer; hereditary breast carcinoma. Identifiers: Orphanet 227535, MedGen C0346153, MONDO:0016419, OMIM 114480. Disease mechanism: loss of function.

Allele frequency attached by ClinVar (database versions not stated): ExAC 0.00001; gnomAD 0.00006.
gnomAD v4.1: 3 of 1,613,998 alleles (0.00019%); highest among the groups gnomAD compares: East Asian, 0.0067%; no homozygotes.

Submissions (3):

Labcorp Genetics (formerly Invitae), Labcorp
Classification: Likely benign for Familial cancer of breast. Last evaluated: 2026-02-04. Review status: criteria provided, single submitter. Criteria: Invitae Variant Classification Sherloc (09022015). Collection method: clinical testing. Allele origin: germline.

Myriad Genetics, Inc.
Classification: Likely benign for Familial cancer of breast. Last evaluated: 2024-10-02. Review status: criteria provided, single submitter. Criteria: Myriad Autosomal Dominant, Autosomal Recessive and X-Linked Classification Criteria (2023). Collection method: clinical testing. Allele origin: unknown.
Comment: This variant is considered likely benign. This variant is intronic and is not expected to impact mRNA splicing.

Color Diagnostics, LLC DBA Color Health
Classification: Likely benign for Hereditary cancer-predisposing syndrome. Last evaluated: 2017-11-30. Review status: criteria provided, single submitter. Criteria: ACMG Guidelines, 2015. Collection method: clinical testing. Allele origin: germline.

NM_007194.4(CHEK2):c.320-16T>C

Gene: CHEK2 (checkpoint kinase 2; minus strand). Cytogenetic location: 22q12.1.
Variant type: single nucleotide variant.
Coding change: c.320-16T>C on transcript NM_007194.4 (MANE Select); 16 bases into the intron before coding-DNA position 320, T replaced by C.
Molecular consequence: intron variant.
Genome position (GRCh38, 1-based): chr22:28,725,383, A>G on the plus strand (T>C on the coding strand, the complement: CHEK2 is on the minus strand). VCF-style: chr22-28725383-A-G. GRCh37 (hg19) VCF-style: chr22-29121371-A-G.
Other names: c.-344-16T>C (NM_001437942.1); c.320-16T>C (NM_001349956.3, NM_145862.3); c.-458-16T>C (NM_001257387.3); c.413-16T>C (NM_001438295.1, NM_001438293.1); c.449-16T>C (NM_001438294.1, NM_001005735.3).
Identifiers: ClinVar variation 627881 (VCV000627881.12), dbSNP rs773890954, ClinGen allele CA10168019.